The following is an entry in ClinVar:

NM_172107.4(KCNQ2):c.655A>T (p.Lys219Ter)

Gene: KCNQ2 (potassium voltage-gated channel subfamily Q member 2; minus strand). Cytogenetic location: 20q13.33.
Variant type: single nucleotide variant.
Coding change: c.655A>T on transcript NM_172107.4 (MANE Select); coding-DNA position 655, A replaced by T.
Protein change: p.Lys219Ter; replaces lysine 219 with a stop codon.
Molecular consequence: nonsense.
Genome position (GRCh38, 1-based): chr20:63,444,694, T>A on the plus strand (A>T on the coding strand, the complement: KCNQ2 is on the minus strand). VCF-style: chr20-63444694-T-A. GRCh37 (hg19) VCF-style: chr20-62076047-T-A.
Other names: c.655A>T, p.Lys219Ter (NM_001382235.1, NM_001439003.1, NM_001439004.1 and 4 more transcripts); short protein forms K219*.
Identifiers: ClinVar variation 4292232 (VCV004292232.1).
Genomic context (GRCh38, chr20:63,444,694, plus strand): 5'-CGCCAGCCTTGGGGCCGTGACTCACCTTGCTGTGGGCATAGACCACAGAGCCCAGCAGCT[T>A]CCAGGTGCCTCCCCGCCGGTCCATGCGGATCATCCGCAGAATCTGCAGGAAGCGCAGGCT-3'

ClinVar aggregate classification (germline): Likely pathogenic (1 of 4 stars; one submission).

Conditions:
Developmental and epileptic encephalopathy, 7 (DEE7). Also called: KCNQ2-Related Neonatal Epileptic Encephalopathy; Early infantile epileptic encephalopathy 7; KCNQ2-Related Neonatal-Onset Developmental and Epileptic Encephalopathy (NEO-DEE). Identifiers: Orphanet 439218, MedGen C3150986, MONDO:0013387, OMIM 613720.

Submission:

3billion
Classification: Likely pathogenic for Developmental and epileptic encephalopathy, 7. Last evaluated: 2024-11-09. Review status: criteria provided, single submitter. Criteria: ACMG Guidelines, 2015. Collection method: clinical testing. Allele origin: germline. Affected: yes.
Comment: The variant is not observed in the gnomAD v4.1.0 dataset. Predicted Consequence/Location: Stop-gained (nonsense): predicted to result in a loss or disruption of normal protein function through nonsense-mediated decay (NMD) or protein truncation. Multiple pathogenic variants are reported downstream of the variant. Therefore, this variant is classified as Likely pathogenic according to the recommendation of ACMG/AMP guideline.